The following is an entry in ClinVar:

NM_001386393.1(PANK2):c.-23A>C

Genes: PANK2 (pantothenate kinase 2; plus strand), LOC130065345 (ATAC-STARR-seq lymphoblastoid silent region 12635; plus strand). Cytogenetic location: 20p13.
Variant type: single nucleotide variant.
Coding change: c.-23A>C on transcript NM_001386393.1 (MANE Select); 23 bases upstream of the start codon, A replaced by C.
Molecular consequence: 5 prime UTR variant. On other transcripts: missense variant (2), non-coding transcript variant (1), intron variant (1).
Genome position (GRCh38, 1-based): chr20:3,889,408, A>C. VCF-style: chr20-3889408-A-C. GRCh37 (hg19) VCF-style: chr20-3870055-A-C.
Other names: c.-734A>C (NM_001324191.2); c.308A>C, p.Glu103Ala (NM_001324192.1, NM_153638.4); c.-246+504A>C (NM_024960.6); short protein forms E103A.
Identifiers: ClinVar variation 1708654 (VCV001708654.2), dbSNP rs1292966015, ClinGen allele CA408140498.

ClinVar aggregate classification (germline): Uncertain significance (1 of 4 stars; one submission).

gnomAD v4.1: 1 of 1,572,184 alleles (0.000064%); highest among the groups gnomAD compares: Non-Finnish European, 0.000086%; no homozygotes.

Submission:

GeneDx
Classification: Uncertain significance. Last evaluated: 2022-04-07. Review status: criteria provided, single submitter. Criteria: GeneDx Variant Classification Process June 2021. Collection method: clinical testing. Allele origin: germline. Affected: yes.
Comment: Not observed at significant frequency in large population cohorts (gnomAD); In silico analysis supports that this missense variant does not alter protein structure/function; Has not been previously published as pathogenic or benign to our knowledge